The following is an entry in ClinVar:

ClinVar aggregate classification (germline): Uncertain significance. Review status: criteria provided, multiple submitters, no conflicts (2 of 4 stars). 3 submissions from 3 submitters: Uncertain significance (3). Last evaluated 2025-09-22.

Conditions:
Primary dilated cardiomyopathy (DCM). Also called: Dilated Cardiomyopathy. Identifiers: Orphanet 217604, MedGen C0007193, MeSH D002311, MONDO:0005021, HP:0001644. Inheritance: Various modes of inheritance.
Cardiovascular phenotype. Identifiers: MedGen CN230736.

Allele frequency attached by ClinVar (database versions not stated): gnomAD exomes below 0.00001; TOPMed below 0.00001; gnomAD 0.00001.
gnomAD v4.1: 7 of 1,609,742 alleles (0.00043%); highest among the groups gnomAD compares: Admixed American, 0.0033%; no homozygotes.

Submissions (3):

Labcorp Genetics (formerly Invitae), Labcorp
Classification: Uncertain significance for Primary dilated cardiomyopathy. Last evaluated: 2025-09-22. Review status: criteria provided, single submitter. Criteria: Invitae Variant Classification Sherloc (09022015). Collection method: clinical testing. Allele origin: germline.
Comment: This sequence change replaces glycine, which is neutral and non-polar, with glutamic acid, which is acidic and polar, at codon 484 of the TXNRD2 protein (p.Gly484Glu). This variant is present in population databases (no rsID available, gnomAD 0.004%). This variant has not been reported in the literature in individuals affected with TXNRD2-related conditions. ClinVar contains an entry for this variant (Variation ID: 938494). Invitae Evidence Modeling of protein sequence and biophysical properties (such as structural, functional, and spatial information, amino acid conservation, physicochemical variation, residue mobility, and thermodynamic stability) indicates that this missense variant is not expected to disrupt TXNRD2 protein function with a negative predictive value of 80%. In summary, the available evidence is currently insufficient to determine the role of this variant in disease. Therefore, it has been classified as a Variant of Uncertain Significance.

Ambry Genetics
Classification: Uncertain significance for Cardiovascular phenotype. Last evaluated: 2022-12-18. Review status: criteria provided, single submitter. Criteria: Ambry Variant Classification Scheme 2023. Collection method: clinical testing. Allele origin: germline.
Comment: The p.G484E variant (also known as c.1451G>A), located in coding exon 17 of the TXNRD2 gene, results from a G to A substitution at nucleotide position 1451. The glycine at codon 484 is replaced by glutamic acid, an amino acid with similar properties. This amino acid position is conserved. In addition, this alteration is predicted to be deleterious by in silico analysis. Since supporting evidence is limited at this time, the clinical significance of this alteration remains unclear.

GeneDx
Classification: Uncertain significance. Last evaluated: 2022-10-13. Review status: criteria provided, single submitter. Criteria: GeneDx Variant Classification Process June 2021. Collection method: clinical testing. Allele origin: germline. Affected: yes.
Comment: Not observed at significant frequency in large population cohorts (gnomAD); In silico analysis supports that this missense variant has a deleterious effect on protein structure/function; Has not been previously published as pathogenic or benign to our knowledge

NM_006440.5(TXNRD2):c.1451G>A (p.Gly484Glu)

Gene: TXNRD2 (thioredoxin reductase 2; minus strand). Cytogenetic location: 22q11.21.
Variant type: single nucleotide variant.
Coding change: c.1451G>A on transcript NM_006440.5 (MANE Select); coding-DNA position 1451, G replaced by A.
Protein change: p.Gly484Glu; replaces glycine 484 with glutamic acid.
Molecular consequence: missense variant.
Genome position (GRCh38, 1-based): chr22:19,877,229, C>T on the plus strand (G>A on the coding strand, the complement: TXNRD2 is on the minus strand). VCF-style: chr22-19877229-C-T. GRCh37 (hg19) VCF-style: chr22-19864752-C-T.
Other names: c.1448G>A, p.Gly483Glu (NM_001352300.2); c.1361G>A, p.Gly454Glu (NM_001352301.2); c.1163G>A, p.Gly388Glu (NM_001352302.2); c.1451G>A (NM_006440.3); short protein forms G388E, G483E, G484E, G454E.
Identifiers: ClinVar variation 938494 (VCV000938494.12), dbSNP rs1409074647, ClinGen allele CA410691665.